The following is an entry in ClinVar:

NM_002641.4(PIGA):c.232A>G (p.Lys78Glu)

Gene: PIGA (phosphatidylinositol glycan anchor biosynthesis class A; minus strand). Cytogenetic location: Xp22.2.
Variant type: single nucleotide variant.
Coding change: c.232A>G on transcript NM_002641.4 (MANE Select); coding-DNA position 232, A replaced by G.
Protein change: p.Lys78Glu; replaces lysine 78 with glutamic acid.
Molecular consequence: missense variant. On other transcripts: non-coding transcript variant (1), intron variant (1).
Genome position (GRCh38, 1-based): chrX:15,331,699, T>C on the plus strand (A>G on the coding strand, the complement: PIGA is on the minus strand). VCF-style: chrX-15331699-T-C. GRCh37 (hg19) VCF-style: chrX-15349821-T-C.
Other names: c.13+3802A>G (NM_020473.3); short protein forms K78E.
Identifiers: ClinVar variation 211904 (VCV000211904.8), dbSNP rs776182358, ClinGen allele CA209009.

ClinVar aggregate classification (germline): Conflicting classifications of pathogenicity. Review status: criteria provided, conflicting classifications (1 of 4 stars). 2 submissions from 2 submitters: Uncertain significance (1); Likely benign (1). Last evaluated 2018-11-26.

Conditions:
Multiple congenital anomalies-hypotonia-seizures syndrome 2 (MCAHS2). Also called: GLYCOSYLPHOSPHATIDYLINOSITOL BIOSYNTHESIS DEFECT 4; EPILEPTIC ENCEPHALOPATHY, EARLY INFANTILE, 20. Identifiers: Orphanet 300496, MedGen C3275508, MONDO:0010466, OMIM 300868.

Allele frequency attached by ClinVar (database versions not stated): ExAC 0.00001; gnomAD exomes 0.00001 and 0.00003; TOPMed 0.00001.
gnomAD v4.1: 34 of 1,211,966 alleles (0.0028%); highest among the groups gnomAD compares: Non-Finnish European, 0.0037%; no homozygotes.

Submissions (2):

Clinical and Biomedical Sciences, University of Exeter
Classification: Likely benign for Multiple congenital anomalies-hypotonia-seizures syndrome 2. Last evaluated: 2018-11-26. Review status: criteria provided, single submitter. Criteria: ACMG Guidelines, 2015. Collection method: research. Allele origin: maternal. Affected: yes. Observed: 2 variant alleles.
Comment: Ventriculomegaly and absent corpus callosum. PIGA deficient B lymphoblasts (JY5) were transfected with wild-type or mutant PIGA expressing plasmids driven by strong, mild or weak promoters. Expression of GPI anchored proteins (CD59/DAF/FLAER) was analysed by FACS. Mutant PIGA could rescue the surface expression of GPI-APs at a similar level to wild-type PIGA. Western blot analysis showed expression of mutant PIGA protein was similar to wild-type.

Genetic Services Laboratory, University of Chicago
Classification: Uncertain significance. Last evaluated: 2015-06-16. Review status: criteria provided, single submitter. Criteria: ACMG Guidelines, 2015. Collection method: clinical testing. Allele origin: germline.